The following is an entry in ClinVar:

ClinVar aggregate classification (germline): Uncertain significance. Review status: criteria provided, multiple submitters, no conflicts (2 of 4 stars). 2 submissions from 2 submitters: Uncertain significance (2). Last evaluated 2024-11-27.

Conditions:
Cardiovascular phenotype. Identifiers: MedGen CN230736.
Long QT syndrome 6 (LQT6). Identifiers: Orphanet 101016, Orphanet 768, MedGen C3150953, MONDO:0013370, OMIM 613693.

Allele frequency attached by ClinVar (database versions not stated): gnomAD 0.00001; gnomAD exomes 0.00001; TOPMed 0.00002.
gnomAD v4.1: 20 of 1,614,098 alleles (0.0012%); highest among the groups gnomAD compares: Non-Finnish European, 0.0016%; no homozygotes.

Submissions (2):

Ambry Genetics
Classification: Uncertain significance for Cardiovascular phenotype. Last evaluated: 2024-11-27. Review status: criteria provided, single submitter. Criteria: Ambry Variant Classification Scheme 2023. Collection method: clinical testing. Allele origin: germline.
Comment: The p.I100L variant (also known as c.298A>C), located in coding exon 1 of the KCNE2 gene, results from an A to C substitution at nucleotide position 298. The isoleucine at codon 100 is replaced by leucine, an amino acid with highly similar properties. This amino acid position is not well conserved in available vertebrate species. In addition, this alteration is predicted to be tolerated by in silico analysis. Since supporting evidence is limited at this time, the clinical significance of this alteration remains unclear.

Labcorp Genetics (formerly Invitae), Labcorp
Classification: Uncertain significance for Long QT syndrome 6. Last evaluated: 2023-08-08. Review status: criteria provided, single submitter. Criteria: Invitae Variant Classification Sherloc (09022015). Collection method: clinical testing. Allele origin: germline.
Comment: In summary, the available evidence is currently insufficient to determine the role of this variant in disease. Therefore, it has been classified as a Variant of Uncertain Significance. An algorithm developed to predict the effect of missense changes on protein structure and function (PolyPhen-2) suggests that this variant¬†is likely to be tolerated. ClinVar contains an entry for this variant (Variation ID: 1798483). This variant has not been reported in the literature in individuals affected with KCNE2-related conditions. This variant is present in population databases (no rsID available, gnomAD 0.0009%). This sequence change replaces isoleucine, which is neutral and non-polar, with leucine, which is neutral and non-polar, at codon 100 of the KCNE2 protein (p.Ile100Leu).

NM_172201.2(KCNE2):c.298A>C (p.Ile100Leu)

Genes: KCNE2 (potassium voltage-gated channel subfamily E regulatory subunit 2; plus strand), LOC105372791 (uncharacterized LOC105372791; minus strand). Cytogenetic location: 21q22.11.
Variant type: single nucleotide variant.
Coding change: c.298A>C on transcript NM_172201.2 (MANE Select); coding-DNA position 298, A replaced by C.
Protein change: p.Ile100Leu; replaces isoleucine 100 with leucine.
Molecular consequence: missense variant.
Genome position (GRCh38, 1-based): chr21:34,370,776, A>C. VCF-style: chr21-34370776-A-C. GRCh37 (hg19) VCF-style: chr21-35743075-A-C.
Other names: short protein forms I100L.
Identifiers: ClinVar variation 1798483 (VCV001798483.7), dbSNP rs961832580, ClinGen allele CA320365724.